The following is an entry in ClinVar:

NM_001754.5(RUNX1):c.879_880del (p.Pro294fs)

Gene: RUNX1 (RUNX family transcription factor 1; minus strand). Cytogenetic location: 21q22.12.
Variant type: Microsatellite.
Coding change: c.879_880del on transcript NM_001754.5 (MANE Select); coding-DNA positions 879 to 880, 2 bases deleted (TC; older notation c.879_880delTC).
Protein change: p.Pro294fs; shifts the reading frame from proline 294.
Molecular consequence: frameshift variant.
Genome position (GRCh38, 1-based): chr21:34,799,388-34,799,389, GA deleted on the plus strand (TC on the coding strand, the reverse complement: RUNX1 is on the minus strand); deleting any 2 consecutive bases within chr21:34,799,388-34,799,392 gives the same sequence; the c. name uses the placement nearest the transcript's 3' end. VCF-style (leftmost placement, unchanged base first): chr21-34799387-GGA-G. GRCh37 (hg19) VCF-style: chr21-36171684-GGA-G.
Other names: c.798_799del, p.Pro267fs (NM_001001890.3); c.876_877CT[1], p.Pro294Phefs (NM_001754.4); c.879_880delTC (NM_001754.4); short protein forms P294fs, P267fs.
Identifiers: ClinVar variation 4629687 (VCV004629687.1).

ClinVar aggregate classification (germline): Pathogenic (1 of 4 stars; one submission).

Conditions:
Inborn genetic diseases. Identifiers: MedGen C0950123, MeSH D030342.

Submission:

Ambry Genetics
Classification: Pathogenic for Inborn genetic diseases. Last evaluated: 2025-09-23. Review status: criteria provided, single submitter. Criteria: Ambry Variant Classification Scheme 2023. Collection method: clinical testing. Allele origin: germline.
Comment: The c.879_880delTC pathogenic mutation, located in coding exon 7 of the RUNX1 gene, results from a deletion of two nucleotides at nucleotide positions 879 to 880, causing a translational frameshift with a predicted alternate stop codon (p.P294Ffs*305). This alteration occurs at the 3' terminus of thegene, is not expected to trigger nonsense-mediated mRNAdecay and results in the elongation of the protein by 118 amino acids. This frameshift impacts the last 38.9% of the native protein. However, frameshifts are typically deleterious in nature and the impacted region is critical for protein function and the impacted region is critical for protein function and a significant portion of the protein is affected (Ambry internal data). Based on the supporting evidence, this variant is interpreted as a disease-causing mutation.